The following is an entry in ClinVar:

NM_001145358.2(SIN3A):c.2519A>G (p.Glu840Gly)

Gene: SIN3A (SIN3 transcription regulator family member A; minus strand). Cytogenetic location: 15q24.2.
Variant type: single nucleotide variant.
Coding change: c.2519A>G on transcript NM_001145358.2 (MANE Select); coding-DNA position 2519, A replaced by G.
Protein change: p.Glu840Gly; replaces glutamic acid 840 with glycine.
Molecular consequence: missense variant.
Genome position (GRCh38, 1-based): chr15:75,392,574, T>C on the plus strand (A>G on the coding strand, the complement: SIN3A is on the minus strand). VCF-style: chr15-75392574-T-C. GRCh37 (hg19) VCF-style: chr15-75684915-T-C.
Other names: c.2519A>G, p.Glu840Gly (NM_001145357.2, NM_015477.3); short protein forms E840G.
Identifiers: ClinVar variation 1337301 (VCV001337301.8), dbSNP rs371395364, ClinGen allele CA7667447.

ClinVar aggregate classification (germline): Conflicting classifications of pathogenicity. Review status: criteria provided, conflicting classifications (1 of 4 stars). 3 submissions from 3 submitters: Uncertain significance (2); Likely benign (1). Last evaluated 2025-12-01.

Conditions:
Inborn genetic diseases. Identifiers: MedGen C0950123, MeSH D030342.

Allele frequency attached by ClinVar (database versions not stated): gnomAD 0.00004 and 0.00005; TOPMed 0.00006; gnomAD exomes 0.00005 and 0.00010; ESP Exome Variant Server 0.00008; ExAC 0.00004.
gnomAD v4.1: 155 of 1,614,010 alleles (0.0096%); highest among the groups gnomAD compares: Non-Finnish European, 0.012%; no homozygotes.

Submissions (3):

Labcorp Genetics (formerly Invitae), Labcorp
Classification: Uncertain significance. Last evaluated: 2025-12-01. Review status: criteria provided, single submitter. Criteria: Invitae Variant Classification Sherloc (09022015). Collection method: clinical testing. Allele origin: germline.
Comment: This sequence change replaces glutamic acid, which is acidic and polar, with glycine, which is neutral and non-polar, at codon 840 of the SIN3A protein (p.Glu840Gly). This variant is present in population databases (rs371395364, gnomAD 0.007%). This variant has not been reported in the literature in individuals affected with SIN3A-related conditions. ClinVar contains an entry for this variant (Variation ID: 1337301). Invitae Evidence Modeling of protein sequence and biophysical properties (such as structural, functional, and spatial information, amino acid conservation, physicochemical variation, residue mobility, and thermodynamic stability) indicates that this missense variant is not expected to disrupt SIN3A protein function with a negative predictive value of 80%. In summary, the available evidence is currently insufficient to determine the role of this variant in disease. Therefore, it has been classified as a Variant of Uncertain Significance.

Ambry Genetics
Classification: Likely benign for Inborn genetic diseases. Last evaluated: 2023-12-08. Review status: criteria provided, single submitter. Criteria: Ambry Variant Classification Scheme 2023. Collection method: clinical testing. Allele origin: germline.

Genetic Services Laboratory, University of Chicago
Classification: Uncertain significance. Last evaluated: 2020-01-29. Review status: criteria provided, single submitter. Criteria: ACMG Guidelines, 2015. Collection method: clinical testing. Allele origin: germline. Affected: no.